The following is an entry in ClinVar:

ClinVar aggregate classification (germline): Uncertain significance (1 of 4 stars; one submission).

Allele frequency attached by ClinVar (database versions not stated): gnomAD exomes below 0.00001; TOPMed below 0.00001; gnomAD 0.00001.
gnomAD v4.1: 4 of 1,613,742 alleles (0.00025%); highest among the groups gnomAD compares: Admixed American, 0.005%; no homozygotes.

Submission:

Labcorp Genetics (formerly Invitae), Labcorp
Classification: Uncertain significance. Last evaluated: 2022-08-02. Review status: criteria provided, single submitter. Criteria: Invitae Variant Classification Sherloc (09022015). Collection method: clinical testing. Allele origin: germline.
Comment: This sequence change replaces valine, which is neutral and non-polar, with isoleucine, which is neutral and non-polar, at codon 1908 of the USH2A protein (p.Val1908Ile). This variant is present in population databases (no rsID available, gnomAD 0.006%). This variant has not been reported in the literature in individuals affected with USH2A-related conditions. Algorithms developed to predict the effect of missense changes on protein structure and function are either unavailable or do not agree on the potential impact of this missense change (SIFT: "Deleterious"; PolyPhen-2: "Benign"; Align-GVGD: "Class C25"). In summary, the available evidence is currently insufficient to determine the role of this variant in disease. Therefore, it has been classified as a Variant of Uncertain Significance.

NM_206933.4(USH2A):c.5722G>A (p.Val1908Ile)

Genes: USH2A (usherin; minus strand), USH2A-AS2 (USH2A antisense RNA 2; plus strand). Cytogenetic location: 1q41.
Variant type: single nucleotide variant.
Coding change: c.5722G>A on transcript NM_206933.4 (MANE Select); coding-DNA position 5722, G replaced by A.
Protein change: p.Val1908Ile; replaces valine 1908 with isoleucine.
Molecular consequence: missense variant.
Genome position (GRCh38, 1-based): chr1:216,073,151, C>T on the plus strand (G>A on the coding strand, the complement: USH2A is on the minus strand). VCF-style: chr1-216073151-C-T. GRCh37 (hg19) VCF-style: chr1-216246493-C-T.
Other names: short protein forms V1908I.
Identifiers: ClinVar variation 2174449 (VCV002174449.1), dbSNP rs1180925487, ClinGen allele CA344854169.